The following is an entry in ClinVar:

ClinVar aggregate classification (germline): Uncertain significance (1 of 4 stars; one submission).

Conditions:
Naxos disease (NXD). Also called: KERATOSIS PALMOPLANTARIS WITH ARRHYTHMOGENIC CARDIOMYOPATHY; MAL DE NAXOS; CARDIOMYOPATHY, ARRHYTHMOGENIC RIGHT VENTRICULAR, WITH SKIN, HAIR, AND NAIL ABNORMALITIES; PALMOPLANTAR KERATODERMA WITH ARRHYTHMOGENIC RIGHT VENTRICULAR CARDIOMYOPATHY AND WOOLLY HAIR; WOOLLY HAIR, PALMOPLANTAR KERATODERMA, AND CARDIAC ABNORMALITIES. Identifiers: Orphanet 34217, MedGen C1832600, MONDO:0011017, OMIM 601214.
Arrhythmogenic right ventricular dysplasia 12. Also called: ARRHYTHMOGENIC RIGHT VENTRICULAR DYSPLASIA, FAMILIAL, 12. Identifiers: MedGen C1969081, MONDO:0012684, OMIM 611528.

Allele frequency attached by ClinVar (database versions not stated): gnomAD exomes below 0.00001.
gnomAD v4.1: 1 of 1,605,266 alleles (0.000062%); highest among the groups gnomAD compares: African/African-American, 0.0013%; no homozygotes.

Submission:

Labcorp Genetics (formerly Invitae), Labcorp
Classification: Uncertain significance for Arrhythmogenic right ventricular dysplasia 12; Naxos disease. Last evaluated: 2025-01-30. Review status: criteria provided, single submitter. Criteria: Invitae Variant Classification Sherloc (09022015). Collection method: clinical testing. Allele origin: germline.
Comment: This sequence change replaces serine, which is neutral and polar, with glycine, which is neutral and non-polar, at codon 98 of the JUP protein (p.Ser98Gly). This variant is not present in population databases (gnomAD no frequency). This variant has not been reported in the literature in individuals affected with JUP-related conditions. ClinVar contains an entry for this variant (Variation ID: 1722232). An algorithm developed to predict the effect of missense changes on protein structure and function (PolyPhen-2) suggests that this variant is likely to be tolerated. In summary, the available evidence is currently insufficient to determine the role of this variant in disease. Therefore, it has been classified as a Variant of Uncertain Significance.

NM_002230.4(JUP):c.292A>G (p.Ser98Gly)

Gene: JUP (junction plakoglobin; minus strand). Cytogenetic location: 17q21.2.
Variant type: single nucleotide variant.
Coding change: c.292A>G on transcript NM_002230.4 (MANE Select); coding-DNA position 292, A replaced by G.
Protein change: p.Ser98Gly; replaces serine 98 with glycine.
Molecular consequence: missense variant.
Genome position (GRCh38, 1-based): chr17:41,769,594, T>C on the plus strand (A>G on the coding strand, the complement: JUP is on the minus strand). VCF-style: chr17-41769594-T-C. GRCh37 (hg19) VCF-style: chr17-39925846-T-C.
Other names: c.292A>G, p.Ser98Gly (NM_001352773.2, NM_001352774.2, NM_001352775.2 and 3 more transcripts); short protein forms S98G.
Identifiers: ClinVar variation 1722232 (VCV001722232.5), dbSNP rs2544193383, ClinGen allele CA399505616.